The following is an entry in ClinVar:

NM_001004334.4(GPR179):c.1916G>T (p.Arg639Leu)

Gene: GPR179 (G protein-coupled receptor 179; minus strand). Cytogenetic location: 17q12.
Variant type: single nucleotide variant.
Coding change: c.1916G>T on transcript NM_001004334.4 (MANE Select); coding-DNA position 1916, G replaced by T.
Protein change: p.Arg639Leu; replaces arginine 639 with leucine.
Molecular consequence: missense variant.
Genome position (GRCh38, 1-based): chr17:38,333,372, C>A on the plus strand (G>T on the coding strand, the complement: GPR179 is on the minus strand). VCF-style: chr17-38333372-C-A. GRCh37 (hg19) VCF-style: chr17-36489255-C-A.
Other names: short protein forms R639L.
Identifiers: ClinVar variation 1899305 (VCV001899305.4), dbSNP rs62073369, ClinGen allele CA290107871.

ClinVar aggregate classification (germline): Uncertain significance. Review status: criteria provided, multiple submitters, no conflicts (2 of 4 stars). 2 submissions from 2 submitters: Uncertain significance (2). Last evaluated 2022-09-27.

Conditions:
Inborn genetic diseases. Identifiers: MedGen C0950123, MeSH D030342.

gnomAD v4.1: 178 of 1,613,750 alleles (0.011%); highest among the groups gnomAD compares: Non-Finnish European, 0.015%; no homozygotes.

Submissions (2):

Ambry Genetics
Classification: Uncertain significance for Inborn genetic diseases. Last evaluated: 2022-09-27. Review status: criteria provided, single submitter. Criteria: Ambry Variant Classification Scheme 2023. Collection method: clinical testing. Allele origin: germline.

Labcorp Genetics (formerly Invitae), Labcorp
Classification: Uncertain significance. Last evaluated: 2022-06-03. Review status: criteria provided, single submitter. Criteria: Invitae Variant Classification Sherloc (09022015). Collection method: clinical testing. Allele origin: germline.
Comment: In summary, the available evidence is currently insufficient to determine the role of this variant in disease. Therefore, it has been classified as a Variant of Uncertain Significance. Algorithms developed to predict the effect of missense changes on protein structure and function (SIFT, PolyPhen-2, Align-GVGD) all suggest that this variant is likely to be tolerated. This variant has not been reported in the literature in individuals affected with GPR179-related conditions. The frequency data for this variant in the population databases is considered unreliable, as metrics indicate poor data quality at this position in the gnomAD database. This sequence change replaces arginine, which is basic and polar, with leucine, which is neutral and non-polar, at codon 639 of the GPR179 protein (p.Arg639Leu).